The following is an entry in ClinVar:

ClinVar aggregate classification (germline): Uncertain significance (1 of 4 stars; one submission).

Allele frequency attached by ClinVar (database versions not stated): TOPMed below 0.00001; ExAC 0.00005; gnomAD exomes 0.00002.

Submission:

GeneDx
Classification: Uncertain significance. Last evaluated: 2026-02-09. Review status: criteria provided, single submitter. Criteria: GeneDx Variant Classification Process June 2021. Collection method: clinical testing. Allele origin: germline.
Comment: In silico analysis supports that this missense variant has a deleterious effect on protein structure/function; Has not been previously published as pathogenic or benign to our knowledge

NM_030653.4(DDX11):c.2602C>G (p.Pro868Ala)

Gene: DDX11 (DEAD/H-box helicase 11; plus strand). Cytogenetic location: 12p11.21.
Variant type: single nucleotide variant.
Coding change: c.2602C>G on transcript NM_030653.4 (MANE Select); coding-DNA position 2602, C replaced by G.
Protein change: p.Pro868Ala; replaces proline 868 with alanine.
Molecular consequence: missense variant. On other transcripts: non-coding transcript variant (4).
Genome position (GRCh38, 1-based): chr12:31,103,642, C>G. VCF-style: chr12-31103642-C-G. GRCh37 (hg19) VCF-style: chr12-31256576-C-G.
Other names: c.2597C>G, p.Ala866Gly (NM_001257144.2, NM_001413695.1, NM_001413696.1 and 1 more transcripts); c.2524C>G, p.Pro842Ala (NM_001257145.2, NM_001413697.1, NM_001413698.1); c.2602C>G, p.Pro868Ala (NM_001413692.1, NM_001413693.1, NM_001413694.1); c.2519C>G, p.Ala840Gly (NM_001413699.1); c.2515C>G, p.Pro839Ala (NM_001413700.1); c.2074C>G, p.Pro692Ala (NM_001413702.1, NM_001413703.1); c.1736C>G, p.Ala579Gly (NM_001413704.1); c.1741C>G, p.Pro581Ala (NM_001413705.1); and 2 more; short protein forms A579G, A840G, A866G, P546A, P581A, P692A, P818A, P839A.
Identifiers: ClinVar variation 2504811 (VCV002504811.2), dbSNP rs769404016, ClinGen allele CA6501920.